The following is an entry in ClinVar:

NM_199420.4(POLQ):c.4017T>C (p.Asn1339=)

Gene: POLQ (DNA polymerase theta; minus strand). Cytogenetic location: 3q13.33.
Variant type: single nucleotide variant.
Coding change: c.4017T>C on transcript NM_199420.4 (MANE Select); coding-DNA position 4017, T replaced by C.
Protein change: p.Asn1339=; no amino-acid change (asparagine 1339 retained).
Molecular consequence: synonymous variant.
Genome position (GRCh38, 1-based): chr3:121,488,914, A>G on the plus strand (T>C on the coding strand, the complement: POLQ is on the minus strand). VCF-style: chr3-121488914-A-G. GRCh37 (hg19) VCF-style: chr3-121207761-A-G.
Identifiers: ClinVar variation 781972 (VCV000781972.32), dbSNP rs34240370, ClinGen allele CA2562969.

ClinVar aggregate classification (germline): Benign/Likely benign. Review status: criteria provided, multiple submitters, no conflicts (2 of 4 stars). 6 submissions from 6 submitters: Benign (4); Likely benign (1). 1 of the submissions does not count toward it. Last evaluated 2026-08-07.

Conditions:
Familial cancer of breast. Also called: hereditary breast carcinoma; BREAST CANCER, FAMILIAL; Hereditary breast cancer. Identifiers: Orphanet 227535, MedGen C0346153, MONDO:0016419, OMIM 114480. Disease mechanism: loss of function.
POLQ-related disorder. Also called: POLQ-related condition.

Allele frequency attached by ClinVar (database versions not stated): 1000 Genomes Project 30x 0.00219; 1000 Genomes Project 0.00240; gnomAD 0.00271 and 0.00275; ExAC 0.00295; gnomAD exomes 0.00301 and 0.00346; TOPMed 0.00317; ESP Exome Variant Server 0.00346.
gnomAD v4.1: 5,486 of 1,614,076 alleles (0.34%); highest among the groups gnomAD compares: Middle Eastern, 1.4%; 16 homozygotes.

Submissions (6):

Genomic Medicine Laboratory, Hospital de Clinicas de Porto Alegre
Classification: Benign for Familial cancer of breast. Last evaluated: 2026-08-07. Review status: criteria provided, single submitter. Criteria: ACGS UK Practice Guidelines For Variant Classification V12 2024. Collection method: research. Allele origin: germline. Affected: yes. Observed: 1 variant allele.
Comment: BA1: Allele frequency is above 5%

CeGaT Center for Human Genetics Tuebingen
Classification: Benign. Last evaluated: 2022-08-01. Review status: criteria provided, single submitter. Criteria: CeGaT Center For Human Genetics Tuebingen Variant Classification Criteria Version 2. Collection method: clinical testing. Allele origin: germline. Affected: yes. Observed: 2 variant alleles.
Comment: POLQ: BS1, BS2

Ambry Genetics
Classification: Likely benign. Last evaluated: 2022-02-12. Review status: criteria provided, single submitter. Criteria: Ambry Variant Classification Scheme 2023. Collection method: clinical testing. Allele origin: germline.

Labcorp Genetics (formerly Invitae), Labcorp
Classification: Benign. Last evaluated: 2018-07-31. Review status: criteria provided, single submitter. Criteria: Invitae Variant Classification Sherloc (09022015). Collection method: clinical testing. Allele origin: germline.

Breakthrough Genomics
Classification: Benign. Review status: criteria provided, single submitter. Criteria: ACMG Guidelines, 2015. Collection method: not provided. Allele origin: germline. Inheritance: Unknown mechanism. Affected: yes.

PreventionGenetics, part of Exact Sciences
Classification: Likely benign for POLQ-related condition. Last evaluated: 2019-05-13. Review status: no assertion criteria provided. Collection method: clinical testing. Allele origin: germline. Not counted in ClinVar's aggregate classification.
Comment: This variant is classified as likely benign based on ACMG/AMP sequence variant interpretation guidelines (Richards et al. 2015 PMID: 25741868, with internal and published modifications).